The following is an entry in ClinVar:

NM_000359.3(TGM1):c.886G>T (p.Gly296Trp)

Gene: TGM1 (transglutaminase 1; minus strand). Cytogenetic location: 14q12.
Variant type: single nucleotide variant.
Coding change: c.886G>T on transcript NM_000359.3 (MANE Select); coding-DNA position 886, G replaced by T.
Protein change: p.Gly296Trp; replaces glycine 296 with tryptophan.
Molecular consequence: missense variant.
Genome position (GRCh38, 1-based): chr14:24,259,802, C>A on the plus strand (G>T on the coding strand, the complement: TGM1 is on the minus strand). VCF-style: chr14-24259802-C-A. GRCh37 (hg19) VCF-style: chr14-24729008-C-A.
Other names: short protein forms G296W.
Identifiers: ClinVar variation 3455885 (VCV003455885.3).
Genomic context (GRCh38, chr14:24,259,802, plus strand): 5'-CACGGCCTCCATATGGCATCCCCCGCCGGTCCAGGATGTATAAGCAGGCATCCAGCACCC[C>A]GTGGTCAAACTGGAAGGAGGGATGGAGGGCAGAGGTGACAGCCTGAACCCTAGGCCAGCA-3'
Protein context (NP_000350.1, residues 286-306): RTWNYGQFDH[Gly296Trp]VLDACLYILD

ClinVar aggregate classification (germline): Uncertain significance. Review status: criteria provided, multiple submitters, no conflicts (2 of 4 stars). 2 submissions from 2 submitters: Uncertain significance (2). Last evaluated 2025-01-08.

Conditions:
Inborn genetic diseases. Identifiers: MedGen C0950123, MeSH D030342.

gnomAD v4.1: 6 of 1,612,994 alleles (0.00037%); highest among the groups gnomAD compares: Non-Finnish European, 0.00051%; no homozygotes.

Submissions (2):

Labcorp Genetics (formerly Invitae), Labcorp
Classification: Uncertain significance. Last evaluated: 2025-01-08. Review status: criteria provided, single submitter. Criteria: Invitae Variant Classification Sherloc (09022015). Collection method: clinical testing. Allele origin: germline.
Comment: This sequence change replaces glycine, which is neutral and non-polar, with tryptophan, which is neutral and slightly polar, at codon 296 of the TGM1 protein (p.Gly296Trp). The frequency data for this variant in the population databases is considered unreliable, as metrics indicate poor data quality at this position in the gnomAD database. This variant has not been reported in the literature in individuals affected with TGM1-related conditions. Invitae Evidence Modeling of protein sequence and biophysical properties (such as structural, functional, and spatial information, amino acid conservation, physicochemical variation, residue mobility, and thermodynamic stability) indicates that this missense variant is expected to disrupt TGM1 protein function with a positive predictive value of 80%. In summary, the available evidence is currently insufficient to determine the role of this variant in disease. Therefore, it has been classified as a Variant of Uncertain Significance.

Ambry Genetics
Classification: Uncertain significance for Inborn genetic diseases. Last evaluated: 2024-08-05. Review status: criteria provided, single submitter. Criteria: Ambry Variant Classification Scheme 2023. Collection method: clinical testing. Allele origin: germline.